The following is an entry in ClinVar:

ClinVar aggregate classification (germline): Uncertain significance (1 of 4 stars; one submission).

Conditions:
Arrhythmogenic right ventricular dysplasia 8 (ARVD8). Also called: Arrhythmogenic Right Ventricular Dysplasia/Cardiomyopathy 8; ARRHYTHMOGENIC RIGHT VENTRICULAR DYSPLASIA, FAMILIAL, 8; ARRHYTHMOGENIC RIGHT VENTRICULAR CARDIOMYOPATHY 8. Identifiers: MedGen C1843896, MONDO:0011831, OMIM 607450.
Arrhythmogenic cardiomyopathy with wooly hair and keratoderma. Also called: PALMOPLANTAR KERATODERMA WITH LEFT VENTRICULAR CARDIOMYOPATHY AND WOOLLY HAIR; Carvajal syndrome; Arrhythmogenic cardiomyopathy with woolly hair and keratoderma; Dilated cardiomyopathy with woolly hair and keratoderma. Identifiers: Orphanet 65282, MedGen C1854063, MONDO:0011581, OMIM 605676.

Allele frequency attached by ClinVar (database versions not stated): gnomAD 0.00001.

Submission:

Labcorp Genetics (formerly Invitae), Labcorp
Classification: Uncertain significance for Arrhythmogenic cardiomyopathy with wooly hair and keratoderma; Arrhythmogenic right ventricular dysplasia 8. Last evaluated: 2023-06-16. Review status: criteria provided, single submitter. Criteria: Invitae Variant Classification Sherloc (09022015). Collection method: clinical testing. Allele origin: germline.
Comment: An algorithm developed to predict the effect of missense changes on protein structure and function (PolyPhen-2) suggests that this variant is likely to be tolerated. This variant has not been reported in the literature in individuals affected with DSP-related conditions. This variant is not present in population databases (gnomAD no frequency). This sequence change replaces valine, which is neutral and non-polar, with isoleucine, which is neutral and non-polar, at codon 2223 of the DSP protein (p.Val2223Ile). In summary, the available evidence is currently insufficient to determine the role of this variant in disease. Therefore, it has been classified as a Variant of Uncertain Significance.

NM_004415.4(DSP):c.6667G>A (p.Val2223Ile)

Gene: DSP (desmoplakin; plus strand). Cytogenetic location: 6p24.3.
Variant type: single nucleotide variant.
Coding change: c.6667G>A on transcript NM_004415.4 (MANE Select); coding-DNA position 6667, G replaced by A.
Protein change: p.Val2223Ile; replaces valine 2223 with isoleucine.
Molecular consequence: missense variant.
Genome position (GRCh38, 1-based): chr6:7,583,929, G>A. VCF-style: chr6-7583929-G-A. GRCh37 (hg19) VCF-style: chr6-7584162-G-A.
Other names: c.4870G>A, p.Val1624Ile (NM_001008844.3); c.5338G>A, p.Val1780Ile (NM_001319034.2); short protein forms V1780I, V1624I, V2223I.
Identifiers: ClinVar variation 2925885 (VCV002925885.3), dbSNP rs1357676899, ClinGen allele CA362691284.